The following is an entry in ClinVar:

ClinVar aggregate classification (germline): Uncertain significance. Review status: criteria provided, multiple submitters, no conflicts (2 of 4 stars). 2 submissions from 2 submitters: Uncertain significance (2). Last evaluated 2026-01-14.

Conditions:
RYR1-related disorder. Also called: RYR1-related condition; RYR1-related disorders. Identifiers: MedGen CN239331.

Allele frequency attached by ClinVar (database versions not stated): gnomAD exomes below 0.00001.
gnomAD v4.1: 2 of 1,500,066 alleles (0.00013%); highest among the groups gnomAD compares: Non-Finnish European, 0.00018%; no homozygotes.

Submissions (2):

Labcorp Genetics (formerly Invitae), Labcorp
Classification: Uncertain significance for RYR1-related disorder. Last evaluated: 2026-01-14. Review status: criteria provided, single submitter. Criteria: Invitae Variant Classification Sherloc (09022015). Collection method: clinical testing. Allele origin: germline.
Comment: This sequence change replaces alanine, which is neutral and non-polar, with valine, which is neutral and non-polar, at codon 4403 of the RYR1 protein (p.Ala4403Val). This variant is not present in population databases (gnomAD no frequency). This variant has not been reported in the literature in individuals affected with RYR1-related conditions. ClinVar contains an entry for this variant (Variation ID: 2635883). Invitae Evidence Modeling of protein sequence and biophysical properties (such as structural, functional, and spatial information, amino acid conservation, physicochemical variation, residue mobility, and thermodynamic stability) indicates that this missense variant is not expected to disrupt RYR1 protein function with a negative predictive value of 95%. In summary, the available evidence is currently insufficient to determine the role of this variant in disease. Therefore, it has been classified as a Variant of Uncertain Significance.

PreventionGenetics, part of Exact Sciences
Classification: Uncertain significance for RYR1-related condition. Last evaluated: 2024-12-20. Review status: criteria provided, single submitter. Criteria: ACMG Guidelines, 2015. Collection method: clinical testing. Allele origin: germline.
Comment: The RYR1 c.13208C>T variant is predicted to result in the amino acid substitution p.Ala4403Val. To our knowledge, this variant has not been reported in the literature or in gnomAD, indicating this variant is rare. At this time, the clinical significance of this variant is uncertain due to the absence of conclusive functional and genetic evidence.

NM_000540.3(RYR1):c.13208C>T (p.Ala4403Val)

Gene: RYR1 (ryanodine receptor 1; plus strand). Cytogenetic location: 19q13.2.
Variant type: single nucleotide variant.
Coding change: c.13208C>T on transcript NM_000540.3 (MANE Select); coding-DNA position 13208, C replaced by T.
Protein change: p.Ala4403Val; replaces alanine 4403 with valine.
Molecular consequence: missense variant.
Genome position (GRCh38, 1-based): chr19:38,565,542, C>T. VCF-style: chr19-38565542-C-T. GRCh37 (hg19) VCF-style: chr19-39056182-C-T.
Other names: c.13193C>T, p.Ala4398Val (NM_001042723.2); short protein forms A4398V, A4403V.
Identifiers: ClinVar variation 2635883 (VCV002635883.5), dbSNP rs2514680081, ClinGen allele CA405674357.